The following is an entry in ClinVar:

ClinVar aggregate classification (germline): Uncertain significance (1 of 4 stars; one submission).

Allele frequency attached by ClinVar (database versions not stated): TOPMed below 0.00001; gnomAD 0.00001.
gnomAD v4.1: 3 of 1,613,118 alleles (0.00019%); highest among the groups gnomAD compares: Admixed American, 0.005%; no homozygotes.

Submission:

Labcorp Genetics (formerly Invitae), Labcorp
Classification: Uncertain significance. Last evaluated: 2024-05-06. Review status: criteria provided, single submitter. Criteria: Invitae Variant Classification Sherloc (09022015). Collection method: clinical testing. Allele origin: germline.
Comment: This sequence change replaces glutamic acid, which is acidic and polar, with glutamine, which is neutral and polar, at codon 371 of the RIN2 protein (p.Glu371Gln). This variant is not present in population databases (gnomAD no frequency). This variant has not been reported in the literature in individuals affected with RIN2-related conditions. ClinVar contains an entry for this variant (Variation ID: 2089140). Experimental studies and prediction algorithms are not available or were not evaluated, and the functional significance of this variant is currently unknown. In summary, the available evidence is currently insufficient to determine the role of this variant in disease. Therefore, it has been classified as a Variant of Uncertain Significance.

NM_018993.4(RIN2):c.1111G>C (p.Glu371Gln)

Gene: RIN2 (Ras and Rab interactor 2; plus strand). Cytogenetic location: 20p11.23.
Variant type: single nucleotide variant.
Coding change: c.1111G>C on transcript NM_018993.4 (MANE Select); coding-DNA position 1111, G replaced by C.
Protein change: p.Glu371Gln; replaces glutamic acid 371 with glutamine.
Molecular consequence: missense variant.
Genome position (GRCh38, 1-based): chr20:19,975,136, G>C. VCF-style: chr20-19975136-G-C. GRCh37 (hg19) VCF-style: chr20-19955780-G-C.
Other names: c.1258G>C, p.Glu420Gln (NM_001242581.2); c.493G>C, p.Glu165Gln (NM_001378238.1); short protein forms E165Q, E420Q, E371Q.
Identifiers: ClinVar variation 2089140 (VCV002089140.4), dbSNP rs1161203802, ClinGen allele CA408361892.